The following is an entry in ClinVar:

NM_000789.4(ACE):c.3691+9A>C

Gene: ACE (angiotensin I converting enzyme; plus strand). Cytogenetic location: 17q23.3.
Variant type: single nucleotide variant.
Coding change: c.3691+9A>C on transcript NM_000789.4 (MANE Select); 9 bases into the intron after coding-DNA position 3691, A replaced by C.
Molecular consequence: intron variant.
Genome position (GRCh38, 1-based): chr17:63,496,994, A>C. VCF-style: chr17-63496994-A-C. GRCh37 (hg19) VCF-style: chr17-61574355-A-C.
Other names: c.2839+9A>C (NM_001382701.1); c.3124+9A>C (NM_001382700.1); c.1969+9A>C (NM_152830.3); c.1846+9A>C (NM_001178057.2); c.1306+9A>C (NM_001382702.1).
Identifiers: ClinVar variation 3044462 (VCV003044462.2), dbSNP rs1599158521, ClinGen allele CA400567987.
Genomic context (GRCh38, chr17:63,496,994, plus strand): 5'-CTGCATGGGGAGAAGCTGGGCTGGCCGCAGTACAACTGGACGCCGAACTCCGGTACCGCC[A>C]CCCACCCCACCTCCAGCCTTGGGTCTTAACCCCCTCCCCAGGCTGGGCAGCCATGCGGCT-3'

ClinVar aggregate classification (germline): Likely benign (0 of 4 stars; one submission).

Conditions:
ACE-related disorder. Also called: ACE-related disorders; ACE-related condition.

Submission:

PreventionGenetics, part of Exact Sciences
Classification: Likely benign for ACE-related condition. Last evaluated: 2019-08-27. Review status: no assertion criteria provided. Collection method: clinical testing. Allele origin: germline.
Comment: This variant is classified as likely benign based on ACMG/AMP sequence variant interpretation guidelines (Richards et al. 2015 PMID: 25741868, with internal and published modifications).